The following is an entry in ClinVar:

ClinVar aggregate classification (germline): Uncertain significance (1 of 4 stars; one submission).

Conditions:
Hereditary cancer-predisposing syndrome. Also called: Neoplastic Syndromes, Hereditary; Tumor predisposition; Hereditary Cancer Syndrome; Hereditary neoplastic syndrome. Identifiers: Orphanet 140162, MedGen C0027672, MeSH D009386, MONDO:0015356.

Submission:

Ambry Genetics
Classification: Uncertain significance for Hereditary cancer-predisposing syndrome. Last evaluated: 2026-05-22. Review status: criteria provided, single submitter. Criteria: Ambry Variant Classification Scheme 2023. Collection method: clinical testing. Allele origin: germline.
Comment: The c.2164+5G>C intronic variant results from a G to C substitution 5 nucleotides after coding exon 13 in the CDH1 gene. This nucleotide position is highly conserved in available vertebrate species. This variant was reported in individual(s) with features consistent with CDH1-related diffuse gastric and lobular breast cancer (DGLBC) (Pocurull A et al. Cancers (Basel), 2021 Jun;13:). In silico splice site analysis predicts that this alteration will weaken the native splice donor site. Based on the available evidence, the clinical significance of this variant remains unclear.

Literature cited by the submitters: PubMed 34201547.

NM_004360.5(CDH1):c.2164+5G>C

Gene: CDH1 (cadherin 1; plus strand). Cytogenetic location: 16q22.1.
Variant type: single nucleotide variant.
Coding change: c.2164+5G>C on transcript NM_004360.5 (MANE Select); 5 bases into the intron after coding-DNA position 2164, G replaced by C.
Molecular consequence: intron variant.
Genome position (GRCh38, 1-based): chr16:68,823,631, G>C. VCF-style: chr16-68823631-G-C. GRCh37 (hg19) VCF-style: chr16-68857534-G-C.
Other names: c.616+5G>C (NM_001317185.2); c.199+5G>C (NM_001317186.2); c.1981+5G>C (NM_001317184.2).
Identifiers: ClinVar variation 4868408 (VCV004868408.1).